The following is an entry in ClinVar:

NM_000278.5(PAX2):c.617-1G>T

Gene: PAX2 (paired box 2; plus strand). Cytogenetic location: 10q24.31.
Variant type: single nucleotide variant.
Coding change: c.617-1G>T on transcript NM_000278.5 (MANE Select); the canonical splice acceptor site of the intron before coding-DNA position 617, G replaced by T.
Molecular consequence: splice acceptor variant.
Genome position (GRCh38, 1-based): chr10:100,806,429, G>T. VCF-style: chr10-100806429-G-T. GRCh37 (hg19) VCF-style: chr10-102566186-G-T.
Other names: c.710-1G>T (NM_001304569.2); c.686-1G>T (NM_003987.5, NM_003990.5); c.617-1G>T (NM_003988.5, NM_003989.5).
Identifiers: ClinVar variation 3602569 (VCV003602569.2).

ClinVar aggregate classification (germline): Likely pathogenic (1 of 4 stars; one submission).

Conditions:
Congenital anomalies of kidney and urinary tract 1. Also called: Congenital anomalies of kidney and urinary tract 1, susceptibility to; Renal hypodysplasia, nonsyndromic, 1. Identifiers: MedGen C1835826, MONDO:0012561, OMIM 610805.

Submission:

Department of Pediatrics, Seoul National University Bundang Hospital
Classification: Likely pathogenic for Congenital anomalies of kidney and urinary tract 1. Last evaluated: 2024-12-01. Review status: criteria provided, single submitter. Criteria: ACMG Guidelines, 2015. Collection method: clinical testing. Allele origin: maternal. Inheritance: Autosomal dominant inheritance. Affected: yes. Observed: 1 variant allele.
Comment: This splicing variant is regarded as pathogenic (PVS1, PM2, PP1, according to ACMG criteria). It has been reported in the following publication (PMID: 34217267).

Literature cited by the submitters: PubMed 34217267.